The following is an entry in ClinVar:

NM_001161352.2(KCNMA1):c.3051C>T (p.Asp1017=)

Genes: KCNMA1 (potassium calcium-activated channel subfamily M alpha 1; minus strand), KCNMA1-AS1 (KCNMA1 antisense RNA 1; plus strand). Cytogenetic location: 10q22.3.
Variant type: single nucleotide variant.
Coding change: c.3051C>T on transcript NM_001161352.2 (MANE Select); coding-DNA position 3051, C replaced by T.
Protein change: p.Asp1017=; no amino-acid change (aspartic acid 1017 retained).
Molecular consequence: synonymous variant.
Genome position (GRCh38, 1-based): chr10:76,910,062, G>A on the plus strand (C>T on the coding strand, the complement: KCNMA1 is on the minus strand). VCF-style: chr10-76910062-G-A. GRCh37 (hg19) VCF-style: chr10-78669820-G-A.
Other names: c.2889C>T, p.Asp963= (NM_001014797.3); c.3000C>T, p.Asp1000= (NM_001161353.2); c.2727C>T, p.Asp909= (NM_001271518.2); c.2967C>T, p.Asp989= (NM_001271519.2); c.2886C>T, p.Asp962= (NM_001322829.2, NM_001322836.2); c.2979C>T, p.Asp993= (NM_001322830.2); c.2877C>T, p.Asp959= (NM_001322832.2, NM_002247.4); c.2970C>T, p.Asp990= (NM_001322835.2, NM_001322837.2); and 1 more.
Identifiers: ClinVar variation 211232 (VCV000211232.25), dbSNP rs115772068, ClinGen allele CA208555.
Genomic context (GRCh38, chr10:76,910,062, plus strand): 5'-TGCTGTCCCACAGGCAAAGGGCTGCGTGAGGTACAGTTCTGTATCAGGGTCATCATCATC[G>A]TCTTGGTCCAAAAACTGAACATTAGTATCGTTCACTAGAAAAAGCATAAAATAAGAATTA-3'
Protein context (NP_001154824.1, residues 1007-1027): NDTNVQFLDQ[Asp1017=]DDDDPDTELY

ClinVar aggregate classification (germline): Benign/Likely benign. Review status: criteria provided, multiple submitters, no conflicts (2 of 4 stars). 5 submissions from 5 submitters: Benign (1); Likely benign (4). Last evaluated 2026-07-01.

Conditions:
Generalized epilepsy-paroxysmal dyskinesia syndrome (PNKD3). Also called: Generalized epilepsy and paroxysmal dyskinesia; Paroxysmal nonkinesigenic dyskinesia, 3, with or without generalized epilepsy. Identifiers: Orphanet 79137, MedGen C5574945, MONDO:0012276, OMIM 609446.

Allele frequency attached by ClinVar (database versions not stated): gnomAD 0.00145 and 0.00131; ESP Exome Variant Server 0.00146; TOPMed 0.00158; gnomAD exomes 0.00015 and 0.00038; ExAC 0.00044; 1000 Genomes Project 0.00120; 1000 Genomes Project 30x 0.00141.
gnomAD v4.1: 458 of 1,614,008 alleles (0.028%); highest among the groups gnomAD compares: African/African-American, 0.47%; 3 homozygotes.

Submissions (5):

CeGaT Center for Human Genetics Tuebingen
Classification: Likely benign. Last evaluated: 2026-07-01. Review status: criteria provided, single submitter. Criteria: CeGaT Center For Human Genetics Tuebingen Variant Classification Criteria Version 2. Collection method: clinical testing. Allele origin: germline. Affected: yes. Observed: 1 variant allele.
Comment: KCNMA1: BP4, BP7

Labcorp Genetics (formerly Invitae), Labcorp
Classification: Benign for Generalized epilepsy-paroxysmal dyskinesia syndrome. Last evaluated: 2026-01-26. Review status: criteria provided, single submitter. Criteria: Invitae Variant Classification Sherloc (09022015). Collection method: clinical testing. Allele origin: germline.

GeneDx
Classification: Likely benign. Last evaluated: 2021-10-05. Review status: criteria provided, single submitter. Criteria: GeneDx Variant Classification Process June 2021. Collection method: clinical testing. Allele origin: germline. Affected: yes.

Eurofins Ntd Llc (ga)
Classification: Likely benign. Last evaluated: 2018-01-11. Review status: criteria provided, single submitter. Criteria: EGL Classification Definitions 2015. Collection method: clinical testing. Allele origin: germline. Observed: 1 variant allele, 1 heterozygote.

Genetic Services Laboratory, University of Chicago
Classification: Likely benign. Last evaluated: 2015-04-03. Review status: criteria provided, single submitter. Criteria: ACMG Guidelines, 2015. Collection method: clinical testing. Allele origin: germline.